The following is an entry in ClinVar:

ClinVar aggregate classification (germline): Uncertain significance (1 of 4 stars; one submission).

Conditions:
Cardiomyopathy (CMYO). Also called: Cardiomyopathies. Identifiers: Orphanet 167848, MedGen C0878544, MONDO:0004994, HP:0001638. Inheritance: Various modes of inheritance.

gnomAD v4.1: 2 of 1,613,068 alleles (0.00012%); highest among the groups gnomAD compares: South Asian, 0.0022%; no homozygotes.

Submission:

Color Diagnostics, LLC DBA Color Health
Classification: Uncertain significance for Cardiomyopathy. Last evaluated: 2024-06-03. Review status: criteria provided, single submitter. Criteria: ACMG Guidelines, 2015. Collection method: clinical testing. Allele origin: germline.
Comment: This variant causes an A to G nucleotide substitution at the +3 position of intron 29 of the RYR2 gene. To our knowledge, functional RNA studies have not been reported for this variant. This variant has not been reported in individuals affected with RYR2-related disorders in the literature. This variant has not been identified in the general population by the Genome Aggregation Database (gnomAD). The available evidence is insufficient to determine the role of this variant in disease conclusively. Therefore, this variant is classified as a Variant of Uncertain Significance.

NM_001035.3(RYR2):c.3598+3A>G

Gene: RYR2 (ryanodine receptor 2; plus strand). Cytogenetic location: 1q43.
Variant type: single nucleotide variant.
Coding change: c.3598+3A>G on transcript NM_001035.3 (MANE Select); 3 bases into the intron after coding-DNA position 3598, A replaced by G.
Molecular consequence: intron variant.
Genome position (GRCh38, 1-based): chr1:237,569,322, A>G. VCF-style: chr1-237569322-A-G. GRCh37 (hg19) VCF-style: chr1-237732622-A-G.
Identifiers: ClinVar variation 3893860 (VCV003893860.1).